The following is an entry in ClinVar:

NM_000545.8(HNF1A):c.780G>A (p.Thr260=)

Gene: HNF1A (HNF1 homeobox A; plus strand). Cytogenetic location: 12q24.31.
Variant type: single nucleotide variant.
Coding change: c.780G>A on transcript NM_000545.8 (MANE Select); coding-DNA position 780, G replaced by A.
Protein change: p.Thr260=; no amino-acid change (threonine 260 retained).
Molecular consequence: synonymous variant.
Genome position (GRCh38, 1-based): chr12:120,994,230, G>A. VCF-style: chr12-120994230-G-A. GRCh37 (hg19) VCF-style: chr12-121432033-G-A.
Other names: c.780G>A (NM_000545.5); c.780G>A, p.Thr260= (NM_001306179.2).
Identifiers: ClinVar variation 1025247 (VCV001025247.13), dbSNP rs749633685, ClinGen allele CA6831833.

ClinVar aggregate classification (germline): Conflicting classifications of pathogenicity. Review status: criteria provided, conflicting classifications (1 of 4 stars). 4 submissions from 4 submitters: Uncertain significance (1); Benign (1); Likely benign (2). Last evaluated 2024-07-31.

Conditions:
Maturity-onset diabetes of the young type 3. Also called: MODY type 3; MODY, type III. Identifiers: Orphanet 552, MedGen C1838100, MeSH C563933, MONDO:0010894, OMIM 600496. Disease mechanism: loss of function.
Nonpapillary renal cell carcinoma. Identifiers: Orphanet 422526, MedGen CN074294, MONDO:0007763, OMIM 144700.
Diabetes mellitus type 1 (T1D). Also called: Diabetes Mellitus, Juvenile-Onset; Type I diabetes mellitus. Identifiers: MedGen C0011854, MONDO:0005147, OMIM 222100, HP:0100651.
Type 2 diabetes mellitus. Also called: Type II diabetes mellitus. Identifiers: MedGen C0011860, MeSH D003924, MONDO:0005148, OMIM 125853, HP:0005978.
Hepatic adenomas, familial. Also called: LIVER CELL ADENOMAS, FAMILIAL; HEPATIC ADENOMA, SOMATIC. Identifiers: MedGen C1840646, MONDO:0007718, OMIM 142330.
Type 1 diabetes mellitus 20 (T1D20). Also called: Diabetes mellitus, insulin-dependent, 20. Identifiers: MedGen C2675866, MONDO:0012919, OMIM 612520.
Maturity-onset diabetes of the young (MODY). Also called: Maturity onset diabetes mellitus in young. Identifiers: Orphanet 552, MedGen C0342276, MONDO:0018911, HP:0004904.

Allele frequency attached by ClinVar (database versions not stated): gnomAD 0.00001; gnomAD exomes 0.00001 and 0.00002; TOPMed 0.00001; ExAC 0.00002.
gnomAD v4.1: 23 of 1,613,404 alleles (0.0014%); highest among the groups gnomAD compares: South Asian, 0.0055%; no homozygotes.

Submissions (4):

Labcorp Genetics (formerly Invitae), Labcorp
Classification: Likely benign. Last evaluated: 2024-07-31. Review status: criteria provided, single submitter. Criteria: Invitae Variant Classification Sherloc (09022015). Collection method: clinical testing. Allele origin: germline.

Ambry Genetics
Classification: Likely benign for Maturity-onset diabetes of the young. Last evaluated: 2024-05-23. Review status: criteria provided, single submitter. Criteria: Ambry Variant Classification Scheme 2023. Collection method: clinical testing. Allele origin: germline.

Fulgent Genetics
Classification: Uncertain significance for Type 2 diabetes mellitus; Hepatic adenomas, familial; Nonpapillary renal cell carcinoma; Diabetes mellitus type 1; Maturity-onset diabetes of the young type 3; Type 1 diabetes mellitus 20. Last evaluated: 2024-05-02. Review status: criteria provided, single submitter. Criteria: ACMG Guidelines, 2015. Collection method: clinical testing. Allele origin: germline.

Clinical Genomics, Uppaluri K&H Personalized Medicine Clinic
Classification: Benign for Maturity-onset diabetes of the young. Review status: criteria provided, single submitter. Criteria: K & H Uppaluri Personalized Medicine Clinic Variant Classification & Assertion Criteria_Updated V.1. Collection method: research. Allele origin: unknown. Inheritance: Autosomal dominant inheritance.
Comment: Mutations in HNF1A gene can predispose to MODY3. It is associated with both micro and macrovascular complications of diabetes, especially cardiovascular complications. Associated with glucosuria. May respond well to sulfonylureas. However, more evidence is required to confer the association of this particular variant rs749633685 with MODY3.

Literature cited by the submitters: PubMed 31517624 (cited by Clinical Genomics, Uppaluri K&H Personalized Medicine Clinic); PubMed 32395877 (cited by Clinical Genomics, Uppaluri K&H Personalized Medicine Clinic); PubMed 35328643 (cited by Clinical Genomics, Uppaluri K&H Personalized Medicine Clinic); PubMed 35673428 (cited by Clinical Genomics, Uppaluri K&H Personalized Medicine Clinic).